The following is an entry in ClinVar:

NM_006922.4(SCN3A):c.1066G>C (p.Gly356Arg)

Gene: SCN3A (sodium voltage-gated channel alpha subunit 3; minus strand). Cytogenetic location: 2q24.3.
Variant type: single nucleotide variant.
Coding change: c.1066G>C on transcript NM_006922.4 (MANE Select); coding-DNA position 1066, G replaced by C.
Protein change: p.Gly356Arg; replaces glycine 356 with arginine.
Molecular consequence: missense variant.
Genome position (GRCh38, 1-based): chr2:165,155,869, C>G on the plus strand (G>C on the coding strand, the complement: SCN3A is on the minus strand). VCF-style: chr2-165155869-C-G. GRCh37 (hg19) VCF-style: chr2-166012379-C-G.
Other names: c.1066G>C, p.Gly356Arg (NM_001081676.2, NM_001081677.2); short protein forms G356R.
Identifiers: ClinVar variation 1311076 (VCV001311076.2), dbSNP rs2105866774, ClinGen allele CA349238590.
Genomic context (GRCh38, chr2:165,155,869, plus strand): 5'-GAGACAGGAAAGCCCAGCTAAAGGTGTCAAAGCTTGTGTAGCCATAGTTGGGGTTTCGAC[C>G]AGCCTTCACACAGATGTATCCTTCTGGACACTGGCTATAAGAGAGAGAAATGGAGGTAGG-3'
Protein context (NP_008853.3, residues 346-366): CPEGYICVKA[Gly356Arg]RNPNYGYTSF

ClinVar aggregate classification (germline): Uncertain significance (1 of 4 stars; one submission).

Submission:

GeneDx
Classification: Uncertain significance. Last evaluated: 2019-12-06. Review status: criteria provided, single submitter. Criteria: GeneDx Variant Classification Process June 2021. Collection method: clinical testing. Allele origin: germline. Affected: yes.
Comment: Not observed in large population cohorts (Lek et al., 2016); In silico analysis, which includes protein predictors and evolutionary conservation, supports a deleterious effect; Has not been previously published as pathogenic or benign to our knowledge